The following is an entry in ClinVar:

ClinVar aggregate classification (germline): Likely pathogenic. Review status: criteria provided, multiple submitters, no conflicts (2 of 4 stars). 2 submissions from 2 submitters: Likely pathogenic (2). Last evaluated 2025-11-11.

Conditions:
Hereditary factor IX deficiency disease (HEMB). Also called: F9 DEFICIENCY; FACTOR IX DEFICIENCY; PLASMA THROMBOPLASTIN COMPONENT DEFICIENCY; Hemophilia B; Christmas Disease. Identifiers: Orphanet 98879, MedGen C0008533, MeSH D002836, MONDO:0010604, OMIM 306900.
Thrombophilia, X-linked, due to factor 9 defect. Identifiers: MedGen C2749016, MONDO:0010432, OMIM 300807.

Submissions (2):

Labcorp Genetics (formerly Invitae), Labcorp
Classification: Likely pathogenic for Thrombophilia, X-linked, due to factor 9 defect; Hereditary factor IX deficiency disease. Last evaluated: 2025-11-11. Review status: criteria provided, single submitter. Criteria: Invitae Variant Classification Sherloc (09022015). Collection method: clinical testing. Allele origin: germline.
Comment: This sequence change replaces glycine, which is neutral and non-polar, with glutamic acid, which is acidic and polar, at codon 160 of the F9 protein (p.Gly160Glu). This variant is not present in population databases (gnomAD no frequency). This missense change has been observed in individuals with hemophilia B (PMID: 7937052, 35770352; internal data). This variant is also known as 17756G>A, Gly114Glu. Invitae Evidence Modeling of protein sequence and biophysical properties (such as structural, functional, and spatial information, amino acid conservation, physicochemical variation, residue mobility, and thermodynamic stability) indicates that this missense variant is not expected to disrupt F9 protein function with a negative predictive value of 80%. This variant disrupts the p.Gly160 amino acid residue in F9. Other variant(s) that disrupt this residue have been determined to be pathogenic (PMID: 23998594; internal data). This suggests that this residue is clinically significant, and that variants that disrupt this residue are likely to be disease-causing. In summary, the currently available evidence indicates that the variant is pathogenic, but additional data are needed to prove that conclusively. Therefore, this variant has been classified as Likely Pathogenic.

Natera, Inc.
Classification: Likely pathogenic for Hemophilia B. Last evaluated: 2025-10-25. Review status: criteria provided, single submitter. Criteria: Natera Variant Classification Schema (03/2026). Collection method: clinical testing. Allele origin: germline.
Comment: The c.479G>A variant in F9 is a missense variant predicted to cause substitution of glycine to glutamic acid at amino acid 160. This variant is rare in the general population with a frequency below the threshold expected for the associated phenotype(s). This variant has been observed in affected individual(s) with monoallelic occurrence (heterozygous/hemizygous) (PMID: 8680410). This variant is located in a functionally critical region of the protein. Computational prediction algorithms indicate this variant is likely to affect gene or protein function. Given the available evidence, this variant is classified as Likely Pathogenic.

Literature cited by the submitters: PubMed 7937052 (cited by Labcorp Genetics (formerly Invitae), Labcorp); PubMed 35770352 (cited by Labcorp Genetics (formerly Invitae), Labcorp); PubMed 23998594 (cited by Labcorp Genetics (formerly Invitae), Labcorp); PubMed 8680410 (cited by Natera, Inc.).

NM_000133.4(F9):c.479G>A (p.Gly160Glu)

Gene: F9 (coagulation factor IX; plus strand). Cytogenetic location: Xq27.1.
Variant type: single nucleotide variant.
Coding change: c.479G>A on transcript NM_000133.4 (MANE Select); coding-DNA position 479, G replaced by A.
Protein change: p.Gly160Glu; replaces glycine 160 with glutamic acid.
Molecular consequence: missense variant.
Genome position (GRCh38, 1-based): chrX:139,548,450, G>A. VCF-style: chrX-139548450-G-A. GRCh37 (hg19) VCF-style: chrX-138630609-G-A.
Other names: c.365G>A, p.Gly122Glu (NM_001313913.2); short protein forms G160E, G122E.
Identifiers: ClinVar variation 4783887 (VCV004783887.2).
Genomic context (GRCh38, chrX:139,548,450, plus strand): 5'-GATGCGAGCAGTTTTGTAAAAATAGTGCTGATAACAAGGTGGTTTGCTCCTGTACTGAGG[G>A]ATATCGACTTGCAGAAAACCAGAAGTCCTGTGAACCAGCAGGTCATAATCTGAATAAGAT-3'
Protein context (NP_000124.1, residues 150-170): DNKVVCSCTE[Gly160Glu]YRLAENQKSC